The following is an entry in ClinVar:

NM_032608.7(MYO18B):c.3014C>G (p.Pro1005Arg)

Gene: MYO18B (myosin XVIIIB; plus strand). Cytogenetic location: 22q12.1.
Variant type: single nucleotide variant.
Coding change: c.3014C>G on transcript NM_032608.7 (MANE Select); coding-DNA position 3014, C replaced by G.
Protein change: p.Pro1005Arg; replaces proline 1005 with arginine.
Molecular consequence: missense variant.
Genome position (GRCh38, 1-based): chr22:25,832,951, C>G. VCF-style: chr22-25832951-C-G. GRCh37 (hg19) VCF-style: chr22-26228918-C-G.
Other names: c.3014C>G, p.Pro1005Arg (NM_001318245.2); short protein forms P1005R.
Identifiers: ClinVar variation 3344772 (VCV003344772.1).
Genomic context (GRCh38, chr22:25,832,951, plus strand): 5'-AACTTTTAAATCCTGTTATTTTCCAGGAAGGTGTTCCTGTGCAGTTTGACCTCCCGGACC[C>G]CTCCCCAGGGACCACCGTGGCTGTTGTGGATCAAAATCCCTCTCAGGTAACACAGGGCCC-3'
Protein context (NP_115997.5, residues 995-1015): GVPVQFDLPD[Pro1005Arg]SPGTTVAVVD

ClinVar aggregate classification (germline): Uncertain significance (0 of 4 stars; one submission).

Conditions:
MYO18B-related disorder. Also called: MYO18B-related condition.

gnomAD v4.1: 1 of 1,613,740 alleles (0.000062%); highest among the groups gnomAD compares: Admixed American, 0.0017%; no homozygotes.

Submission:

PreventionGenetics, part of Exact Sciences
Classification: Uncertain significance for MYO18B-related condition. Last evaluated: 2024-09-10. Review status: no assertion criteria provided. Collection method: clinical testing. Allele origin: germline.
Comment: The MYO18B c.3014C>G variant is predicted to result in the amino acid substitution p.Pro1005Arg. To our knowledge, this variant has not been reported in the literature or in a large population database, indicating this variant is rare. At this time, the clinical significance of this variant is uncertain due to the absence of conclusive functional and genetic evidence.